The following is an entry in ClinVar:

NM_152328.5(ADSS1):c.193-2del

Gene: ADSS1 (adenylosuccinate synthase 1; plus strand). Cytogenetic location: 14q32.33.
Variant type: Deletion.
Coding change: c.193-2del on transcript NM_152328.5 (MANE Select); the canonical splice acceptor site of the intron before coding-DNA position 193, one base deleted (A; older notation c.193-2delA).
Molecular consequence: splice acceptor variant.
Genome position (GRCh38, 1-based): chr14:104,735,018, A deleted. VCF-style (leftmost placement, unchanged base first): chr14-104735017-CA-C. GRCh37 (hg19) VCF-style: chr14-105201354-CA-C.
Other names: c.322-2del (NM_199165.2); c.-406-2del (NM_001320424.1).
Identifiers: ClinVar variation 1068337 (VCV001068337.10), dbSNP rs774425831, ClinGen allele CA7373547.

ClinVar aggregate classification (germline): Likely pathogenic. Review status: criteria provided, multiple submitters, no conflicts (2 of 4 stars). 2 submissions from 2 submitters: Likely pathogenic (2). Last evaluated 2025-11-21.

Conditions:
Myopathy, distal, 5 (MPD5). Also called: Adenylosuccinate synthetase-like 1-related distal myopathy. Identifiers: Orphanet 482601, MedGen C5567521, MONDO:0014877, OMIM 617030.

Allele frequency attached by ClinVar (database versions not stated): gnomAD 0.00001; ExAC 0.00002; gnomAD exomes 0.00002; TOPMed 0.00002.

Submissions (2):

Labcorp Genetics (formerly Invitae), Labcorp
Classification: Likely pathogenic. Last evaluated: 2025-11-21. Review status: criteria provided, single submitter. Criteria: Invitae Variant Classification Sherloc (09022015). Collection method: clinical testing. Allele origin: germline.
Comment: This sequence change affects a splice site in intron 1 of the ADSSL1 gene. It is expected to disrupt RNA splicing. Variants that disrupt the donor or acceptor splice site typically lead to a loss of protein function (PMID: 16199547), and loss-of-function variants in ADSSL1 are known to be pathogenic (PMID: 26506222). This variant is present in population databases (rs774425831, gnomAD 0.01%). Disruption of this splice site has been observed in individual(s) with ADSSL1-related conditions (internal data). ClinVar contains an entry for this variant (Variation ID: 1068337). Algorithms developed to predict the effect of sequence changes on RNA splicing suggest that this variant may disrupt the consensus splice site. In summary, the currently available evidence indicates that the variant is pathogenic, but additional data are needed to prove that conclusively. Therefore, this variant has been classified as Likely Pathogenic.

Revvity Omics, Revvity
Classification: Likely pathogenic for Myopathy, distal, 5. Last evaluated: 2021-12-31. Review status: criteria provided, single submitter. Criteria: ACMG Guidelines, 2015. Collection method: clinical testing. Allele origin: germline.

Literature cited by the submitters: PubMed 16199547 (cited by Labcorp Genetics (formerly Invitae), Labcorp); PubMed 26506222 (cited by Labcorp Genetics (formerly Invitae), Labcorp).